The following is an entry in ClinVar:

NM_000551.4(VHL):c.181C>T (p.Pro61Ser)

Gene: VHL (von Hippel-Lindau tumor suppressor; plus strand). Cytogenetic location: 3p25.3.
Variant type: single nucleotide variant.
Coding change: c.181C>T on transcript NM_000551.4 (MANE Select); coding-DNA position 181, C replaced by T.
Protein change: p.Pro61Ser; replaces proline 61 with serine.
Molecular consequence: missense variant.
Genome position (GRCh38, 1-based): chr3:10,142,028, C>T. VCF-style: chr3-10142028-C-T. GRCh37 (hg19) VCF-style: chr3-10183712-C-T.
Other names: c.181C>T, p.Pro61Ser (NM_001354723.2, NM_198156.3); short protein forms P61S.
Identifiers: ClinVar variation 411990 (VCV000411990.17), dbSNP rs113612866, ClinGen allele CA16611261.
Genomic context (GRCh38, chr3:10,142,028, plus strand): 5'-GAAGAGTCCGGCCCGGAGGAACTGGGCGCCGAGGAGGAGATGGAGGCCGGGCGGCCGCGG[C>T]CCGTGCTGCGCTCGGTGAACTCGCGCGAGCCCTCCCAGGTCATCTTCTGCAATCGCAGTC-3'
Protein context (NP_000542.1, residues 51-71): EEEMEAGRPR[Pro61Ser]VLRSVNSREP

ClinVar aggregate classification (germline): Uncertain significance. Review status: criteria provided, multiple submitters, no conflicts (2 of 4 stars). 3 submissions from 3 submitters: Uncertain significance (2). 1 of the submissions does not count toward it. Last evaluated 2026-04-29.

Conditions:
Chuvash polycythemia. Also called: POLYCYTHEMIA, VHL-DEPENDENT. Identifiers: Orphanet 238557, MedGen C1837915, MONDO:0009892, OMIM 263400.
Von Hippel-Lindau syndrome (VHLS). Also called: von Hippel–Lindau syndrome; VHL syndrome; Von Hippel-Lindau. Identifiers: Orphanet 892, MedGen C0019562, MONDO:0008667, OMIM 193300. Disease mechanism: loss of function.
Hereditary cancer-predisposing syndrome. Also called: Hereditary Cancer Syndrome; Tumor predisposition; Hereditary neoplastic syndrome; Neoplastic Syndromes, Hereditary. Identifiers: Orphanet 140162, MedGen C0027672, MeSH D009386, MONDO:0015356.

Submissions (3):

Ambry Genetics
Classification: Uncertain significance for Hereditary cancer-predisposing syndrome. Last evaluated: 2026-04-29. Review status: criteria provided, single submitter. Criteria: Ambry Variant Classification Scheme 2023. Collection method: clinical testing. Allele origin: germline.
Comment: The p.P61S variant (also known as c.181C>T), located in coding exon 1 of the VHL gene, results from a C to T substitution at nucleotide position 181. The proline at codon 61 is replaced by serine, an amino acid with similar properties. This variant was determined to be functionally neutral in one saturation genome editing assay (Buckley M et al. Nat Genet, 2024 Jul;56:1446-1455). This amino acid position is well conserved in available vertebrate species. In addition, the in silico prediction for this alteration is inconclusive. Based on the majority of available evidence to date, this variant is unlikely to be pathogenic.

Labcorp Genetics (formerly Invitae), Labcorp
Classification: Uncertain significance for Von Hippel-Lindau syndrome; Chuvash polycythemia. Last evaluated: 2026-01-28. Review status: criteria provided, single submitter. Criteria: Invitae Variant Classification Sherloc (09022015). Collection method: clinical testing. Allele origin: germline.
Comment: This sequence change replaces proline, which is neutral and non-polar, with serine, which is neutral and polar, at codon 61 of the VHL protein (p.Pro61Ser). This variant is not present in population databases (gnomAD no frequency). This variant has not been reported in the literature in individuals affected with VHL-related conditions. ClinVar contains an entry for this variant (Variation ID: 411990). Invitae Evidence Modeling of protein sequence and biophysical properties (such as structural, functional, and spatial information, amino acid conservation, physicochemical variation, residue mobility, and thermodynamic stability) has been performed for this missense variant. However, the output from this modeling did not meet the statistical confidence thresholds required to predict the impact of this variant on VHL protein function. In summary, the available evidence is currently insufficient to determine the role of this variant in disease. Therefore, it has been classified as a Variant of Uncertain Significance.

Counsyl
Classification: Uncertain significance for Von Hippel-Lindau syndrome. Last evaluated: 2018-04-19. Review status: no assertion criteria provided. Collection method: clinical testing. Allele origin: unknown. Not counted in ClinVar's aggregate classification.

Literature cited by the submitters: PubMed 38969834 (cited by Ambry Genetics).